The following is an entry in ClinVar:

ClinVar aggregate classification (germline): Uncertain significance (1 of 4 stars; one submission).

Conditions:
46,XY sex reversal 6. Also called: 46,XY SEX REVERSAL, PARTIAL OR COMPLETE, MAP3K1-RELATED; 46,XY GONADAL DYSGENESIS, PARTIAL OR COMPLETE, MAP3K1-RELATED. Identifiers: MedGen C3151064, MONDO:0013410, OMIM 613762.

Submission:

Labcorp Genetics (formerly Invitae), Labcorp
Classification: Uncertain significance for 46,XY sex reversal 6. Last evaluated: 2022-05-20. Review status: criteria provided, single submitter. Criteria: Invitae Variant Classification Sherloc (09022015). Collection method: clinical testing. Allele origin: germline.
Comment: In summary, the available evidence is currently insufficient to determine the role of this variant in disease. Therefore, it has been classified as a Variant of Uncertain Significance. Advanced modeling of protein sequence and biophysical properties (such as structural, functional, and spatial information, amino acid conservation, physicochemical variation, residue mobility, and thermodynamic stability) performed at Invitae indicates that this missense variant is expected to disrupt MAP3K1 protein function. This missense change has been observed in individual(s) with 46,XY disorders of sex development (PMID: 32985417). This variant is not present in population databases (gnomAD no frequency). This sequence change replaces leucine, which is neutral and non-polar, with proline, which is neutral and non-polar, at codon 662 of the MAP3K1 protein (p.Leu662Pro).

Literature cited by the submitters: PubMed 32985417.

NM_005921.2(MAP3K1):c.1985T>C (p.Leu662Pro)

Gene: MAP3K1 (mitogen-activated protein kinase kinase kinase 1; plus strand). Cytogenetic location: 5q11.2.
Variant type: single nucleotide variant.
Coding change: c.1985T>C on transcript NM_005921.2 (MANE Select); coding-DNA position 1985, T replaced by C.
Protein change: p.Leu662Pro; replaces leucine 662 with proline.
Molecular consequence: missense variant.
Genome position (GRCh38, 1-based): chr5:56,878,999, T>C. VCF-style: chr5-56878999-T-C. GRCh37 (hg19) VCF-style: chr5-56174826-T-C.
Other names: short protein forms L662P.
Identifiers: ClinVar variation 1929366 (VCV001929366.5), dbSNP rs2530944125, ClinGen allele CA359782517.
Genomic context (GRCh38, chr5:56,878,999, plus strand): 5'-TTTAAGTGTACATAAACTGACCTTCAGATTTTTTTCCTTAGAAAACATTGAGAGCCATGC[T>C]GGTATATACTCCTTGCCACAGTTTAGCGGAAAGAATCAAACTTCAGAGACTTCTCCAGCC-3'
Protein context (NP_005912.1, residues 652-672): VAALKTLRAM[Leu662Pro]VYTPCHSLAE